The following is an entry in ClinVar:

ClinVar aggregate classification (germline): Likely benign. Review status: criteria provided, single submitter (1 of 4 stars). 2 submissions from 2 submitters: Likely benign (1). 1 of the submissions does not count toward it. Last evaluated 2018-06-29.

Conditions:
LPP-related disorder. Also called: LPP-related condition.

Allele frequency attached by ClinVar (database versions not stated): gnomAD exomes 0.00012 and 0.00039; ExAC 0.00047; gnomAD 0.00131 and 0.00135; 1000 Genomes Project 30x 0.00141; TOPMed 0.00148; ESP Exome Variant Server 0.00169; 1000 Genomes Project 0.00180.
gnomAD v4.1: 409 of 1,614,142 alleles (0.025%); highest among the groups gnomAD compares: African/African-American, 0.37%; 2 homozygotes.

Submissions (2):

Labcorp Genetics (formerly Invitae), Labcorp
Classification: Likely benign. Last evaluated: 2018-06-29. Review status: criteria provided, single submitter. Criteria: Invitae Variant Classification Sherloc (09022015). Collection method: clinical testing. Allele origin: germline.

PreventionGenetics, part of Exact Sciences
Classification: Benign for LPP-related condition. Last evaluated: 2019-08-20. Review status: no assertion criteria provided. Collection method: clinical testing. Allele origin: germline. Not counted in ClinVar's aggregate classification.
Comment: This variant is classified as benign based on ACMG/AMP sequence variant interpretation guidelines (Richards et al. 2015 PMID: 25741868, with internal and published modifications).

NM_001375462.1(LPP):c.1162C>T (p.Arg388Cys)

Gene: LPP (LIM domain containing preferred translocation partner in lipoma; plus strand). Cytogenetic location: 3q28.
Variant type: single nucleotide variant.
Coding change: c.1162C>T on transcript NM_001375462.1 (MANE Select); coding-DNA position 1162, C replaced by T.
Protein change: p.Arg388Cys; replaces arginine 388 with cysteine.
Molecular consequence: missense variant.
Genome position (GRCh38, 1-based): chr3:188,708,315, C>T. VCF-style: chr3-188708315-C-T. GRCh37 (hg19) VCF-style: chr3-188426103-C-T.
Other names: c.1162C>T, p.Arg388Cys (NM_001167671.3, NM_001375455.1, NM_001375456.1 and 9 more transcripts); c.721C>T, p.Arg241Cys (NM_001167672.3); short protein forms R388C, R241C.
Identifiers: ClinVar variation 730114 (VCV000730114.5), dbSNP rs143828647, ClinGen allele CA2751442.